The following is an entry in ClinVar:

ClinVar aggregate classification (germline): Uncertain significance. Review status: criteria provided, multiple submitters, no conflicts (2 of 4 stars). 2 submissions from 2 submitters: Uncertain significance (2). Last evaluated 2023-03-12.

Allele frequency attached by ClinVar (database versions not stated): gnomAD exomes below 0.00001.
gnomAD v4.1: 2 of 1,588,380 alleles (0.00013%); highest among the groups gnomAD compares: Non-Finnish European, 0.00017%; no homozygotes.

Submissions (2):

Labcorp Genetics (formerly Invitae), Labcorp
Classification: Uncertain significance. Last evaluated: 2023-03-12. Review status: criteria provided, single submitter. Criteria: Invitae Variant Classification Sherloc (09022015). Collection method: clinical testing. Allele origin: germline.
Comment: In summary, the available evidence is currently insufficient to determine the role of this variant in disease. Therefore, it has been classified as a Variant of Uncertain Significance. This sequence change replaces leucine, which is neutral and non-polar, with valine, which is neutral and non-polar, at codon 5698 of the ADGRV1 protein (p.Leu5698Val). This variant is present in population databases (rs727503084, gnomAD 0.001%). This variant has not been reported in the literature in individuals affected with ADGRV1-related conditions. ClinVar contains an entry for this variant (Variation ID: 163625). Advanced modeling of protein sequence and biophysical properties (such as structural, functional, and spatial information, amino acid conservation, physicochemical variation, residue mobility, and thermodynamic stability) performed at Invitae indicates that this missense variant is not expected to disrupt ADGRV1 protein function.

Laboratory for Molecular Medicine, Mass General Brigham Personalized Medicine
Classification: Uncertain significance. Last evaluated: 2014-01-02. Review status: criteria provided, single submitter. Criteria: LMM Criteria. Collection method: clinical testing. Allele origin: germline. Observed: 1 variant allele.
Comment: The Leu5698Val variant in GPR98 has not been previously reported in individuals with hearing loss or in large population studies. Computational analyses (bioch emical amino acid properties, conservation, AlignGVGD, PolyPhen2, and SIFT) do n ot provide strong support for or against an impact to the protein. In summary, a dditional information is needed to determine the clinical significance of this v ariant.

NM_032119.4(ADGRV1):c.17092C>G (p.Leu5698Val)

Gene: ADGRV1 (adhesion G protein-coupled receptor V1; plus strand). Cytogenetic location: 5q14.3.
Variant type: single nucleotide variant.
Coding change: c.17092C>G on transcript NM_032119.4 (MANE Select); coding-DNA position 17092, C replaced by G.
Protein change: p.Leu5698Val; replaces leucine 5698 with valine.
Molecular consequence: missense variant. On other transcripts: non-coding transcript variant (1).
Genome position (GRCh38, 1-based): chr5:90,848,709, C>G. VCF-style: chr5-90848709-C-G. GRCh37 (hg19) VCF-style: chr5-90144526-C-G.
Other names: short protein forms L5698V.
Identifiers: ClinVar variation 163625 (VCV000163625.7), dbSNP rs727503084, ClinGen allele CA176248.